The following is an entry in ClinVar:

ClinVar aggregate classification (germline): Likely benign. Review status: criteria provided, multiple submitters, no conflicts (2 of 4 stars). 2 submissions from 2 submitters: Likely benign (2). Last evaluated 2023-04-01.

Allele frequency attached by ClinVar (database versions not stated): TOPMed 0.00012; gnomAD 0.00015; 1000 Genomes Project 30x 0.00016; 1000 Genomes Project 0.00020; gnomAD exomes 0.00023; ExAC 0.00032.

Submissions (2):

CeGaT Center for Human Genetics Tuebingen
Classification: Likely benign. Last evaluated: 2023-04-01. Review status: criteria provided, single submitter. Criteria: CeGaT Center For Human Genetics Tuebingen Variant Classification Criteria Version 2. Collection method: clinical testing. Allele origin: germline. Affected: yes. Observed: 1 variant allele.
Comment: WDR87: PP2, BP4, BS2

Ambry Genetics
Classification: Likely benign. Last evaluated: 2022-03-29. Review status: criteria provided, single submitter. Criteria: Ambry Variant Classification Scheme 2023. Collection method: clinical testing. Allele origin: germline.

NM_001291088.2(WDR87):c.3644G>A (p.Arg1215His)

Gene: WDR87 (WD repeat domain 87; minus strand). Cytogenetic location: 19q13.13.
Variant type: single nucleotide variant.
Coding change: c.3644G>A on transcript NM_001291088.2 (MANE Select); coding-DNA position 3644, G replaced by A.
Protein change: p.Arg1215His; replaces arginine 1215 with histidine.
Molecular consequence: missense variant.
Genome position (GRCh38, 1-based): chr19:37,890,027, C>T on the plus strand (G>A on the coding strand, the complement: WDR87 is on the minus strand). VCF-style: chr19-37890027-C-T. GRCh37 (hg19) VCF-style: chr19-38380667-C-T.
Other names: c.3527G>A, p.Arg1176His (NM_031951.5); short protein forms R1176H, R1215H.
Identifiers: ClinVar variation 2245246 (VCV002245246.26), dbSNP rs538252815, ClinGen allele CA9408704.